The following is an entry in ClinVar:

ClinVar aggregate classification (germline): Uncertain significance (1 of 4 stars; one submission).

Submission:

Labcorp Genetics (formerly Invitae), Labcorp
Classification: Uncertain significance. Last evaluated: 2024-02-02. Review status: criteria provided, single submitter. Criteria: Invitae Variant Classification Sherloc (09022015). Collection method: clinical testing. Allele origin: germline.
Comment: This sequence change replaces alanine, which is neutral and non-polar, with valine, which is neutral and non-polar, at codon 64 of the EMC1 protein (p.Ala64Val). This variant is not present in population databases (gnomAD no frequency). This variant has not been reported in the literature in individuals affected with EMC1-related conditions. Advanced modeling of protein sequence and biophysical properties (such as structural, functional, and spatial information, amino acid conservation, physicochemical variation, residue mobility, and thermodynamic stability) performed at Invitae indicates that this missense variant is not expected to disrupt EMC1 protein function with a negative predictive value of 80%. In summary, the available evidence is currently insufficient to determine the role of this variant in disease. Therefore, it has been classified as a Variant of Uncertain Significance.

NM_015047.3(EMC1):c.191C>T (p.Ala64Val)

Gene: EMC1 (ER membrane protein complex subunit 1; minus strand). Cytogenetic location: 1p36.13.
Variant type: single nucleotide variant.
Coding change: c.191C>T on transcript NM_015047.3 (MANE Select); coding-DNA position 191, C replaced by T.
Protein change: p.Ala64Val; replaces alanine 64 with valine.
Molecular consequence: missense variant.
Genome position (GRCh38, 1-based): chr1:19,244,935, G>A on the plus strand (C>T on the coding strand, the complement: EMC1 is on the minus strand). VCF-style: chr1-19244935-G-A. GRCh37 (hg19) VCF-style: chr1-19571429-G-A.
Other names: c.191C>T, p.Ala64Val (NM_001271429.2, NM_001375820.1, NM_001375821.1 and 2 more transcripts); short protein forms A64V.
Identifiers: ClinVar variation 3615215 (VCV003615215.2).